The following is an entry in ClinVar:

NM_003482.4(KMT2D):c.937C>T (p.His313Tyr)

Gene: KMT2D (lysine methyltransferase 2D; minus strand). Cytogenetic location: 12q13.12.
Variant type: single nucleotide variant.
Coding change: c.937C>T on transcript NM_003482.4 (MANE Select); coding-DNA position 937, C replaced by T.
Protein change: p.His313Tyr; replaces histidine 313 with tyrosine.
Molecular consequence: missense variant.
Genome position (GRCh38, 1-based): chr12:49,053,224, G>A on the plus strand (C>T on the coding strand, the complement: KMT2D is on the minus strand). VCF-style: chr12-49053224-G-A. GRCh37 (hg19) VCF-style: chr12-49447007-G-A.
Other names: short protein forms H313Y.
Identifiers: ClinVar variation 2122827 (VCV002122827.4), dbSNP rs1938191942, ClinGen allele CA384679392.

ClinVar aggregate classification (germline): Uncertain significance (1 of 4 stars; one submission).

Conditions:
Kabuki syndrome. Also called: Kabuki make-up syndrome; NIIKAWA-KUROKI SYNDROME. Identifiers: Orphanet 2322, MedGen C0796004, MONDO:0016512.

Submission:

Labcorp Genetics (formerly Invitae), Labcorp
Classification: Uncertain significance for Kabuki syndrome. Last evaluated: 2024-09-11. Review status: criteria provided, single submitter. Criteria: Invitae Variant Classification Sherloc (09022015). Collection method: clinical testing. Allele origin: germline.
Comment: This sequence change replaces histidine, which is basic and polar, with tyrosine, which is neutral and polar, at codon 313 of the KMT2D protein (p.His313Tyr). This variant is not present in population databases (gnomAD no frequency). This variant has not been reported in the literature in individuals affected with KMT2D-related conditions. ClinVar contains an entry for this variant (Variation ID: 2122827). Invitae Evidence Modeling of protein sequence and biophysical properties (such as structural, functional, and spatial information, amino acid conservation, physicochemical variation, residue mobility, and thermodynamic stability) indicates that this missense variant is not expected to disrupt KMT2D protein function with a negative predictive value of 95%. In summary, the available evidence is currently insufficient to determine the role of this variant in disease. Therefore, it has been classified as a Variant of Uncertain Significance.